The following is an entry in ClinVar:

ClinVar aggregate classification (germline): Uncertain significance (1 of 4 stars; one submission).

Allele frequency attached by ClinVar (database versions not stated): gnomAD exomes below 0.00001; ExAC 0.00001.
gnomAD v4.1: 1 of 1,210,889 alleles (0.000083%); highest among the groups gnomAD compares: Non-Finnish European, 0.00011%; no homozygotes.

Submission:

Labcorp Genetics (formerly Invitae), Labcorp
Classification: Uncertain significance. Last evaluated: 2023-08-04. Review status: criteria provided, single submitter. Criteria: Invitae Variant Classification Sherloc (09022015). Collection method: clinical testing. Allele origin: germline.
Comment: In summary, the available evidence is currently insufficient to determine the role of this variant in disease. Therefore, it has been classified as a Variant of Uncertain Significance. An algorithm developed to predict the effect of missense changes on protein structure and function (PolyPhen-2) suggests that this variant is likely to be disruptive. ClinVar contains an entry for this variant (Variation ID: 2093059). This variant has not been reported in the literature in individuals affected with BCAP31-related conditions. This variant is present in population databases (rs782161526, gnomAD 0.001%). This sequence change replaces phenylalanine, which is neutral and non-polar, with leucine, which is neutral and non-polar, at codon 26 of the BCAP31 protein (p.Phe26Leu).

NM_001256447.2(BCAP31):c.78C>A (p.Phe26Leu)

Gene: BCAP31 (B cell receptor associated protein 31; minus strand). Cytogenetic location: Xq28.
Variant type: single nucleotide variant.
Coding change: c.78C>A on transcript NM_001256447.2 (MANE Select); coding-DNA position 78, C replaced by A.
Protein change: p.Phe26Leu; replaces phenylalanine 26 with leucine.
Molecular consequence: missense variant.
Genome position (GRCh38, 1-based): chrX:153,723,167, G>T on the plus strand (C>A on the coding strand, the complement: BCAP31 is on the minus strand). VCF-style: chrX-153723167-G-T. GRCh37 (hg19) VCF-style: chrX-152988622-G-T.
Other names: c.78C>A, p.Phe26Leu (NM_001139441.1, NM_005745.8); c.279C>A, p.Phe93Leu (NM_001139457.2); short protein forms F93L, F26L.
Identifiers: ClinVar variation 2093059 (VCV002093059.4), dbSNP rs782161526, ClinGen allele CA10549852.